The following is an entry in ClinVar:

ClinVar aggregate classification (germline): Uncertain significance (1 of 4 stars; one submission).

gnomAD v4.1: 1 of 1,614,028 alleles (0.000062%); highest among the groups gnomAD compares: Admixed American, 0.0017%; no homozygotes.

Submission:

Labcorp Genetics (formerly Invitae), Labcorp
Classification: Uncertain significance. Last evaluated: 2025-11-24. Review status: criteria provided, single submitter. Criteria: Invitae Variant Classification Sherloc (09022015). Collection method: clinical testing. Allele origin: germline.
Comment: This sequence change replaces threonine, which is neutral and polar, with alanine, which is neutral and non-polar, at codon 673 of the TWNK protein (p.Thr673Ala). This variant is not present in population databases (gnomAD no frequency). This variant has not been reported in the literature in individuals affected with TWNK-related conditions. ClinVar contains an entry for this variant (Variation ID: 2090208). Invitae Evidence Modeling of protein sequence and biophysical properties (such as structural, functional, and spatial information, amino acid conservation, physicochemical variation, residue mobility, and thermodynamic stability) indicates that this missense variant is not expected to disrupt TWNK protein function with a negative predictive value of 95%. In summary, the available evidence is currently insufficient to determine the role of this variant in disease. Therefore, it has been classified as a Variant of Uncertain Significance.

NM_021830.5(TWNK):c.2017A>G (p.Thr673Ala)

Gene: TWNK (twinkle mtDNA helicase; plus strand). Cytogenetic location: 10q24.31.
Variant type: single nucleotide variant.
Coding change: c.2017A>G on transcript NM_021830.5 (MANE Select); coding-DNA position 2017, A replaced by G.
Protein change: p.Thr673Ala; replaces threonine 673 with alanine.
Molecular consequence: missense variant. On other transcripts: 3 prime UTR variant (2), non-coding transcript variant (5).
Genome position (GRCh38, 1-based): chr10:100,993,472, A>G. VCF-style: chr10-100993472-A-G. GRCh37 (hg19) VCF-style: chr10-102753229-A-G.
Other names: c.*312A>G (NM_001163812.2, NM_001163814.2); c.655A>G, p.Thr219Ala (NM_001163813.2, NM_001368275.1); short protein forms T673A, T219A.
Identifiers: ClinVar variation 2090208 (VCV002090208.4), dbSNP rs781620751, ClinGen allele CA378212888.